The following is an entry in ClinVar:

ClinVar aggregate classification (germline): Uncertain significance (1 of 4 stars; one submission).

Allele frequency attached by ClinVar (database versions not stated): gnomAD exomes below 0.00001; TOPMed below 0.00001; gnomAD 0.00001.
gnomAD v4.1: 5 of 1,614,024 alleles (0.00031%); highest among the groups gnomAD compares: African/African-American, 0.0013%; no homozygotes.

Submission:

GeneDx
Classification: Uncertain significance. Last evaluated: 2021-12-30. Review status: criteria provided, single submitter. Criteria: GeneDx Variant Classification Process June 2021. Collection method: clinical testing. Allele origin: germline. Affected: yes.
Comment: Observed with a variant on the opposite allele (in trans) in a patient with ataxia-oculomotor apraxia in published literature (Ghrooda et al., 2012); Not observed at significant frequency in large population cohorts (gnomAD); In silico analysis supports that this missense variant does not alter protein structure/function; This variant is associated with the following publications: (PMID: 33333218, 22341623)

NM_015046.7(SETX):c.569A>C (p.Gln190Pro)

Gene: SETX (senataxin; minus strand). Cytogenetic location: 9q34.13.
Variant type: single nucleotide variant.
Coding change: c.569A>C on transcript NM_015046.7 (MANE Select); coding-DNA position 569, A replaced by C.
Protein change: p.Gln190Pro; replaces glutamine 190 with proline.
Molecular consequence: missense variant.
Genome position (GRCh38, 1-based): chr9:132,336,445, T>G on the plus strand (A>C on the coding strand, the complement: SETX is on the minus strand). VCF-style: chr9-132336445-T-G. GRCh37 (hg19) VCF-style: chr9-135211832-T-G.
Other names: c.569A>C, p.Gln190Pro (NM_001351527.2, NM_001351528.2); short protein forms Q190P.
Identifiers: ClinVar variation 1698036 (VCV001698036.2), dbSNP rs1173845468, ClinGen allele CA375349682.